The following is an entry in ClinVar:

ClinVar aggregate classification (germline): Conflicting classifications of pathogenicity. Review status: criteria provided, conflicting classifications (1 of 4 stars). 7 submissions from 7 submitters: Uncertain significance (1); Likely benign (6). Last evaluated 2026-01-04.

Conditions:
Tumor predisposition syndrome 3 (TPDS3). Also called: Melanoma, cutaneous malignant, susceptibility to, 10; Glioma susceptibility 9; LONG TELOMERE SYNDROME, POT1-RELATED; POT1 Tumor Predisposition. Identifiers: Orphanet 618, MedGen C4014476, MONDO:0014368, OMIM 615848.
Hereditary cancer-predisposing syndrome. Also called: Neoplastic Syndromes, Hereditary; Tumor predisposition; Hereditary Cancer Syndrome; Hereditary neoplastic syndrome. Identifiers: Orphanet 140162, MedGen C0027672, MeSH D009386, MONDO:0015356.

Allele frequency attached by ClinVar (database versions not stated): gnomAD 0.00002 and 0.00003; gnomAD exomes 0.00002; 1000 Genomes Project 30x 0.00016; 1000 Genomes Project 0.00020; TOPMed 0.00003; ExAC 0.00004.
gnomAD v4.1: 72 of 1,607,832 alleles (0.0045%); highest among the groups gnomAD compares: Non-Finnish European, 0.0049%; no homozygotes.

Submissions (7):

Labcorp Genetics (formerly Invitae), Labcorp
Classification: Likely benign for Tumor predisposition syndrome 3. Last evaluated: 2026-01-04. Review status: criteria provided, single submitter. Criteria: Invitae Variant Classification Sherloc (09022015). Collection method: clinical testing. Allele origin: germline.

Blueprint Genetics
Classification: Likely benign. Last evaluated: 2024-08-28. Review status: criteria provided, single submitter. Criteria: ACMG Guidelines, 2015. Collection method: clinical testing. Allele origin: germline.

GeneDx
Classification: Likely benign. Last evaluated: 2021-10-19. Review status: criteria provided, single submitter. Criteria: GeneDx Variant Classification Process June 2021. Collection method: clinical testing. Allele origin: germline. Affected: yes.

Sema4
Classification: Uncertain significance for Hereditary cancer-predisposing syndrome. Last evaluated: 2021-10-04. Review status: criteria provided, single submitter. Criteria: Sema4 Curation Guidelines. Collection method: curation. Allele origin: germline.
Comment: The POT1 c.747A>G (p.Q249=) variant has not been reported in literature to our knowledge. This variant was observed in 1/10336 chromosomes in the Ashkenazi Jewish population, according to the Genome Aggregation Database (PMID: 32461654). This variant has been reported in ClinVar (Variation ID: 541860). The nucleotide is not conserved. In silico tools that predict the effect of sequence changes on splicing suggest that this variant may impact splicing, though these predictions have not been confirmed by functional studies. The overall evidence is insufficient to meet ACMG/AMP criteria for classifying it as benign or pathogenic. In summary, the clinical significance of this variant is currently uncertain.

Genetic Services Laboratory, University of Chicago
Classification: Likely benign. Last evaluated: 2019-01-17. Review status: criteria provided, single submitter. Criteria: ACMG Guidelines, 2015. Collection method: clinical testing. Allele origin: germline. Affected: no.

Ambry Genetics
Classification: Likely benign for Hereditary cancer-predisposing syndrome. Last evaluated: 2017-12-07. Review status: criteria provided, single submitter. Criteria: Ambry Variant Classification Scheme 2023. Collection method: clinical testing. Allele origin: germline.

Breakthrough Genomics
Classification: Likely benign. Review status: criteria provided, single submitter. Criteria: ACMG Guidelines, 2015. Collection method: not provided. Allele origin: germline. Inheritance: Autosomal dominant inheritance. Affected: yes.

NM_015450.3(POT1):c.747A>G (p.Gln249=)

Gene: POT1 (protection of telomeres 1; minus strand). Cytogenetic location: 7q31.33.
Variant type: single nucleotide variant.
Coding change: c.747A>G on transcript NM_015450.3 (MANE Select); coding-DNA position 747, A replaced by G.
Protein change: p.Gln249=; no amino-acid change (glutamine 249 retained).
Molecular consequence: synonymous variant. On other transcripts: non-coding transcript variant (3).
Genome position (GRCh38, 1-based): chr7:124,853,094, T>C on the plus strand (A>G on the coding strand, the complement: POT1 is on the minus strand). VCF-style: chr7-124853094-T-C. GRCh37 (hg19) VCF-style: chr7-124493148-T-C.
Other names: c.354A>G, p.Gln118= (NM_001042594.2).
Identifiers: ClinVar variation 541860 (VCV000541860.25), dbSNP rs35361862, ClinGen allele CA4465360.